The following is an entry in ClinVar:

ClinVar aggregate classification (germline): Uncertain significance (1 of 4 stars; one submission).

Conditions:
Hereditary cancer-predisposing syndrome. Also called: Hereditary neoplastic syndrome; Hereditary Cancer Syndrome; Neoplastic Syndromes, Hereditary; Tumor predisposition. Identifiers: Orphanet 140162, MedGen C0027672, MeSH D009386, MONDO:0015356.

Submission:

Ambry Genetics
Classification: Uncertain significance for Hereditary cancer-predisposing syndrome. Last evaluated: 2023-03-23. Review status: criteria provided, single submitter. Criteria: Ambry Variant Classification Scheme 2023. Collection method: clinical testing. Allele origin: germline.
Comment: The p.T412R variant (also known as c.1235C>G), located in coding exon 4 of the PALB2 gene, results from a C to G substitution at nucleotide position 1235. The threonine at codon 412 is replaced by arginine, an amino acid with similar properties. This amino acid position is well conserved in available vertebrate species. In addition, the in silico prediction for this alteration is inconclusive. Since supporting evidence is limited at this time, the clinical significance of this alteration remains unclear.

NM_024675.4(PALB2):c.1235C>G (p.Thr412Arg)

Gene: PALB2 (partner and localizer of BRCA2; minus strand). Cytogenetic location: 16p12.2.
Variant type: single nucleotide variant.
Coding change: c.1235C>G on transcript NM_024675.4 (MANE Select); coding-DNA position 1235, C replaced by G.
Protein change: p.Thr412Arg; replaces threonine 412 with arginine.
Molecular consequence: missense variant. On other transcripts: intron variant (3).
Genome position (GRCh38, 1-based): chr16:23,635,311, G>C on the plus strand (C>G on the coding strand, the complement: PALB2 is on the minus strand). VCF-style: chr16-23635311-G-C. GRCh37 (hg19) VCF-style: chr16-23646632-G-C.
Other names: c.1175C>G, p.Thr392Arg (NM_001407296.1); c.1235C>G, p.Thr412Arg (NM_001407297.1, NM_001407298.1, NM_001407299.1 and 3 more transcripts); c.350C>G, p.Thr117Arg (NM_001407304.1, NM_001407305.1, NM_001407306.1 and 5 more transcripts); c.48+5799C>G (NM_001407314.1); c.-104-4842C>G (NM_001407313.1, NM_001407312.1); short protein forms T412R, T117R, T392R.
Identifiers: ClinVar variation 2567555 (VCV002567555.2), dbSNP rs2142421975, ClinGen allele CA395132983.